The following is an entry in ClinVar:

NM_001844.5(COL2A1):c.293-219T>C

Gene: COL2A1 (collagen type II alpha 1 chain; minus strand). Cytogenetic location: 12q13.11.
Variant type: single nucleotide variant.
Coding change: c.293-219T>C on transcript NM_001844.5 (MANE Select); 219 bases into the intron before coding-DNA position 293, T replaced by C.
Molecular consequence: intron variant.
Genome position (GRCh38, 1-based): chr12:47,998,650, A>G on the plus strand (T>C on the coding strand, the complement: COL2A1 is on the minus strand). VCF-style: chr12-47998650-A-G. GRCh37 (hg19) VCF-style: chr12-48392433-A-G.
Other names: c.86-219T>C (NM_033150.3).
Identifiers: ClinVar variation 677845 (VCV000677845.2), dbSNP rs1793958, ClinGen allele CA15764546.

ClinVar aggregate classification (germline): Benign. Review status: criteria provided, multiple submitters, no conflicts (2 of 4 stars). 2 submissions from 2 submitters: Benign (2). Last evaluated 2018-06-18.

Allele frequency attached by ClinVar (database versions not stated): 1000 Genomes Project 0.48223; 1000 Genomes Project 30x 0.48610; TOPMed 0.55313; gnomAD 0.56621 and 0.57157; gnomAD exomes 0.58253.

Submissions (2):

GeneDx
Classification: Benign. Last evaluated: 2018-06-18. Review status: criteria provided, single submitter. Criteria: GeneDx Variant Classification (06012015). Collection method: clinical testing. Allele origin: germline. Affected: yes.
Comment: This variant is considered likely benign or benign based on one or more of the following criteria: it is a conservative change, it occurs at a poorly conserved position in the protein, it is predicted to be benign by multiple in silico algorithms, and/or has population frequency not consistent with disease.

Breakthrough Genomics
Classification: Benign. Review status: criteria provided, single submitter. Criteria: ACMG Guidelines, 2015. Collection method: not provided. Allele origin: germline. Inheritance: Autosomal dominant inheritance. Affected: yes.